The following is an entry in ClinVar:

ClinVar aggregate classification (germline): Uncertain significance (1 of 4 stars; one submission).

Conditions:
Atypical hemolytic-uremic syndrome. Identifiers: Orphanet 2134, MedGen C2931788, MONDO:0016244.

Submission:

Genomenon, Inc
Classification: Uncertain significance for Atypical hemolytic-uremic syndrome. Last evaluated: 2025-09-26. Review status: criteria provided, single submitter. Criteria: Genomenon Sequence Variant Interpretation Standards - Updated. Collection method: curation. Allele origin: germline. Affected: yes.
Comment: CFB p.Val42Ala (c.125T>C) is a missense variant that changes the amino acid at residue 42 from Valine to Alanine. This variant has been observed in at least one proband affected with atypical hemolytic-uremic syndrome (PMID:28056875). It is absent or not present at a significant frequency in gnomAD. In silico models agree that this variant is not damaging. In conclusion, we classify CFB p.Val42Ala (c.125T>C) as a variant of uncertain significance.

Literature cited by the submitters: PubMed 28056875.

NM_001710.6(CFB):c.125T>C (p.Val42Ala)

Gene: CFB (complement factor B; plus strand). Cytogenetic location: 6p21.33.
Variant type: single nucleotide variant.
Coding change: c.125T>C on transcript NM_001710.6 (MANE Select); coding-DNA position 125, T replaced by C.
Protein change: p.Val42Ala; replaces valine 42 with alanine.
Molecular consequence: missense variant.
Genome position (GRCh38, 1-based): chr6:31,946,433, T>C. VCF-style: chr6-31946433-T-C. GRCh37 (hg19) VCF-style: chr6-31914210-T-C.
Other names: short protein forms V42A.
Identifiers: ClinVar variation 4280393 (VCV004280393.1).